The following is an entry in ClinVar:

NM_003705.5(SLC25A12):c.124C>T (p.Arg42Cys)

Gene: SLC25A12 (solute carrier family 25 member 12; minus strand). Cytogenetic location: 2q31.1.
Variant type: single nucleotide variant.
Coding change: c.124C>T on transcript NM_003705.5 (MANE Select); coding-DNA position 124, C replaced by T.
Protein change: p.Arg42Cys; replaces arginine 42 with cysteine.
Molecular consequence: missense variant. On other transcripts: non-coding transcript variant (1).
Genome position (GRCh38, 1-based): chr2:171,868,766, G>A on the plus strand (C>T on the coding strand, the complement: SLC25A12 is on the minus strand). VCF-style: chr2-171868766-G-A. GRCh37 (hg19) VCF-style: chr2-172725276-G-A.
Other names: short protein forms R42C.
Identifiers: ClinVar variation 1409941 (VCV001409941.4), dbSNP rs150674046, ClinGen allele CA1966470.
Genomic context (GRCh38, chr2:171,868,766, plus strand): 5'-CTGCCAAGAGCTGCACGATCTTTGGGTTACTATTTGGATCATTATACAGTCCAAGATAGC[G>A]CTGAACAAAGTCTTCTGGGGTCATATAACGCTCTCCATCAACCTCAGTACTGGCATACTA-3'
Protein context (NP_003696.2, residues 32-52): RYMTPEDFVQ[Arg42Cys]YLGLYNDPNS

ClinVar aggregate classification (germline): Uncertain significance (1 of 4 stars; one submission).

Allele frequency attached by ClinVar (database versions not stated): ESP Exome Variant Server 0.00008; 1000 Genomes Project 30x 0.00016; 1000 Genomes Project 0.00020.
gnomAD v4.1: 41 of 1,613,122 alleles (0.0025%); highest among the groups gnomAD compares: East Asian, 0.013%; no homozygotes.

Submission:

Labcorp Genetics (formerly Invitae), Labcorp
Classification: Uncertain significance. Last evaluated: 2022-05-27. Review status: criteria provided, single submitter. Criteria: Invitae Variant Classification Sherloc (09022015). Collection method: clinical testing. Allele origin: germline.
Comment: This sequence change replaces arginine, which is basic and polar, with cysteine, which is neutral and slightly polar, at codon 42 of the SLC25A12 protein (p.Arg42Cys). This variant is present in population databases (rs150674046, gnomAD 0.02%). This variant has not been reported in the literature in individuals affected with SLC25A12-related conditions. ClinVar contains an entry for this variant (Variation ID: 1409941). Algorithms developed to predict the effect of missense changes on protein structure and function are either unavailable or do not agree on the potential impact of this missense change (SIFT: "Deleterious"; PolyPhen-2: "Possibly Damaging"; Align-GVGD: "Class C0"). In summary, the available evidence is currently insufficient to determine the role of this variant in disease. Therefore, it has been classified as a Variant of Uncertain Significance.